The following is an entry in ClinVar:

NM_001040108.2(MLH3):c.752T>C (p.Phe251Ser)

Gene: MLH3 (mutL homolog 3; minus strand). Cytogenetic location: 14q24.3.
Variant type: single nucleotide variant.
Coding change: c.752T>C on transcript NM_001040108.2 (MANE Select); coding-DNA position 752, T replaced by C.
Protein change: p.Phe251Ser; replaces phenylalanine 251 with serine.
Molecular consequence: missense variant.
Genome position (GRCh38, 1-based): chr14:75,048,904, A>G on the plus strand (T>C on the coding strand, the complement: MLH3 is on the minus strand). VCF-style: chr14-75048904-A-G. GRCh37 (hg19) VCF-style: chr14-75515607-A-G.
Other names: c.752T>C, p.Phe251Ser (NM_014381.3); short protein forms F251S.
Identifiers: ClinVar variation 5024641 (VCV005024641.1).
Genomic context (GRCh38, chr14:75,048,904, plus strand): 5'-AAAAAGTCAATGAGTTTATGTAGCTTTGTCCTTAAAACTAGTCTTTTGTTCACAAACAAA[A>G]ACTGCATATTCTTGTTGTAATGTGCTTCAGAGCTGATATAGCCACTAAGCTCAAACTCTT-3'
Protein context (NP_001035197.1, residues 241-261): SEAHYNKNMQ[Phe251Ser]LFVNKRLVLR

ClinVar aggregate classification (germline): Uncertain significance (1 of 4 stars; one submission).

Submission:

Ambry Genetics
Classification: Uncertain significance. Last evaluated: 2026-08-30. Review status: criteria provided, single submitter. Criteria: Ambry Variant Classification Scheme 2023. Collection method: clinical testing. Allele origin: germline.
Comment: The p.F251S variant (also known as c.752T>C), located in coding exon 1 of the MLH3 gene, results from a T to C substitution at nucleotide position 752. The phenylalanine at codon 251 is replaced by serine, an amino acid with highly dissimilar properties. This amino acid position is conserved. In addition, this alteration is predicted to be deleterious by in silico analysis. Based on the available evidence, the clinical significance of this variant remains unclear.